The following is an entry in ClinVar:

ClinVar aggregate classification (germline): Likely pathogenic (1 of 4 stars; one submission).

Conditions:
Dyskeratosis congenita, autosomal dominant 2. Identifiers: MedGen C3151443, MONDO:0013521, OMIM 613989.
Idiopathic Pulmonary Fibrosis. Also called: Idiopathic fibrosing alveolitis, chronic form; idiopathic fibrosing alveolitis. Identifiers: Orphanet 2032, MedGen C1800706, MeSH D054990, MONDO:0800504.

Submission:

Labcorp Genetics (formerly Invitae), Labcorp
Classification: Likely pathogenic for Dyskeratosis congenita, autosomal dominant 2; Idiopathic Pulmonary Fibrosis. Last evaluated: 2025-10-01. Review status: criteria provided, single submitter. Criteria: Invitae Variant Classification Sherloc (09022015). Collection method: clinical testing. Allele origin: germline.
Comment: This sequence change replaces leucine, which is neutral and non-polar, with arginine, which is basic and polar, at codon 974 of the TERT protein (p.Leu974Arg). This variant is not present in population databases (gnomAD no frequency). This missense change has been observed in individual(s) with autosomal dominant TERT-related conditions (internal data). It has also been observed to segregate with disease in related individuals. Invitae Evidence Modeling of protein sequence and biophysical properties (such as structural, functional, and spatial information, amino acid conservation, physicochemical variation, residue mobility, and thermodynamic stability) indicates that this missense variant is expected to disrupt TERT protein function with a positive predictive value of 95%. In summary, the currently available evidence indicates that the variant is pathogenic, but additional data are needed to prove that conclusively. Therefore, this variant has been classified as Likely Pathogenic.

NM_198253.3(TERT):c.2921T>G (p.Leu974Arg)

Gene: TERT (telomerase reverse transcriptase; minus strand). Cytogenetic location: 5p15.33.
Variant type: single nucleotide variant.
Coding change: c.2921T>G on transcript NM_198253.3 (MANE Select); coding-DNA position 2921, T replaced by G.
Protein change: p.Leu974Arg; replaces leucine 974 with arginine.
Molecular consequence: missense variant. On other transcripts: non-coding transcript variant (2).
Genome position (GRCh38, 1-based): chr5:1,260,523, A>C on the plus strand (T>G on the coding strand, the complement: TERT is on the minus strand). VCF-style: chr5-1260523-A-C. GRCh37 (hg19) VCF-style: chr5-1260638-A-C.
Other names: c.2732T>G, p.Leu911Arg (NM_001193376.3); short protein forms L974R, L911R.
Identifiers: ClinVar variation 4783687 (VCV004783687.1).